The following is an entry in ClinVar:

NM_001605.3(AARS1):c.1469A>G (p.His490Arg)

Gene: AARS1 (alanyl-tRNA synthetase 1; minus strand). Cytogenetic location: 16q22.1.
Variant type: single nucleotide variant.
Coding change: c.1469A>G on transcript NM_001605.3 (MANE Select); coding-DNA position 1469, A replaced by G.
Protein change: p.His490Arg; replaces histidine 490 with arginine.
Molecular consequence: missense variant.
Genome position (GRCh38, 1-based): chr16:70,264,981, T>C on the plus strand (A>G on the coding strand, the complement: AARS1 is on the minus strand). VCF-style: chr16-70264981-T-C. GRCh37 (hg19) VCF-style: chr16-70298884-T-C.
Other names: short protein forms H490R.
Identifiers: ClinVar variation 2792452 (VCV002792452.3), dbSNP rs2507008140, ClinGen allele CA396561150.

ClinVar aggregate classification (germline): Uncertain significance (1 of 4 stars; one submission).

Conditions:
Charcot-Marie-Tooth disease type 2. Also called: Charcot-Marie-Tooth type 2. Identifiers: Orphanet 64746, MedGen C0270914, MONDO:0018993.

Submission:

Labcorp Genetics (formerly Invitae), Labcorp
Classification: Uncertain significance for Charcot-Marie-Tooth disease type 2. Last evaluated: 2023-07-22. Review status: criteria provided, single submitter. Criteria: Invitae Variant Classification Sherloc (09022015). Collection method: clinical testing. Allele origin: germline.
Comment: This variant has not been reported in the literature in individuals affected with AARS-related conditions. This variant is not present in population databases (gnomAD no frequency). This sequence change replaces histidine, which is basic and polar, with arginine, which is basic and polar, at codon 490 of the AARS protein (p.His490Arg). Algorithms developed to predict the effect of missense changes on protein structure and function output the following: SIFT: "Not Available"; PolyPhen-2: "Benign"; Align-GVGD: "Not Available". The arginine amino acid residue is found in multiple mammalian species, which suggests that this missense change does not adversely affect protein function. In summary, the available evidence is currently insufficient to determine the role of this variant in disease. Therefore, it has been classified as a Variant of Uncertain Significance.